The following is an entry in ClinVar:

ClinVar aggregate classification (germline): Uncertain significance (1 of 4 stars; one submission).

Submission:

Labcorp Genetics (formerly Invitae), Labcorp
Classification: Uncertain significance. Last evaluated: 2022-12-20. Review status: criteria provided, single submitter. Criteria: Invitae Variant Classification Sherloc (09022015). Collection method: clinical testing. Allele origin: germline.
Comment: This sequence change creates a premature translational stop signal (p.Lys1050Asnfs*38) in the A2ML1 gene. It is expected to result in an absent or disrupted protein product. However, the current clinical and genetic evidence is not sufficient to establish whether loss-of-function variants in A2ML1 cause disease. In summary, the available evidence is currently insufficient to determine the role of this variant in disease. Therefore, it has been classified as a Variant of Uncertain Significance. This variant has not been reported in the literature in individuals affected with A2ML1-related conditions. This variant is not present in population databases (gnomAD no frequency).

NM_144670.6(A2ML1):c.3150del (p.Lys1050fs)

Gene: A2ML1 (alpha-2-macroglobulin like 1; plus strand). Cytogenetic location: 12p13.31.
Variant type: Deletion.
Coding change: c.3150del on transcript NM_144670.6 (MANE Select); coding-DNA position 3150, one base deleted (A; older notation c.3150delA).
Protein change: p.Lys1050fs; shifts the reading frame from lysine 1050.
Molecular consequence: frameshift variant.
Genome position (GRCh38, 1-based): chr12:8,857,988, A deleted; the last of 3 consecutive A bases (chr12:8,857,986-8,857,988); deleting any one gives the same sequence. VCF-style (leftmost placement, unchanged base first): chr12-8857985-GA-G. GRCh37 (hg19) VCF-style: chr12-9010581-GA-G.
Other names: c.1677del, p.Lys559fs (NM_001282424.3); short protein forms K1050fs, K559fs.
Identifiers: ClinVar variation 2147053 (VCV002147053.4), dbSNP rs780985918, ClinGen allele CA6436282.